The following is an entry in ClinVar:

ClinVar aggregate classification (germline): Uncertain significance. Review status: criteria provided, multiple submitters, no conflicts (2 of 4 stars). 2 submissions from 2 submitters: Uncertain significance (2). Last evaluated 2022-06-03.

Allele frequency attached by ClinVar (database versions not stated): TOPMed 0.00002.
gnomAD v4.1: 2 of 1,491,024 alleles (0.00013%); highest among the groups gnomAD compares: African/African-American, 0.0015%; no homozygotes.

Submissions (2):

Labcorp Genetics (formerly Invitae), Labcorp
Classification: Uncertain significance. Last evaluated: 2022-06-03. Review status: criteria provided, single submitter. Criteria: Invitae Variant Classification Sherloc (09022015). Collection method: clinical testing. Allele origin: germline.
Comment: This sequence change replaces arginine, which is basic and polar, with cysteine, which is neutral and slightly polar, at codon 523 of the SPEG protein (p.Arg523Cys). This variant is not present in population databases (gnomAD no frequency). This variant has not been reported in the literature in individuals affected with SPEG-related conditions. ClinVar contains an entry for this variant (Variation ID: 1308551). Algorithms developed to predict the effect of missense changes on protein structure and function are either unavailable or do not agree on the potential impact of this missense change (SIFT: "Deleterious"; PolyPhen-2: "Probably Damaging"; Align-GVGD: "Class C0"). In summary, the available evidence is currently insufficient to determine the role of this variant in disease. Therefore, it has been classified as a Variant of Uncertain Significance.

GeneDx
Classification: Uncertain significance. Last evaluated: 2019-04-16. Review status: criteria provided, single submitter. Criteria: GeneDx Variant Classification Process June 2021. Collection method: clinical testing. Allele origin: germline. Affected: yes.
Comment: Not observed in large population cohorts (Lek et al., 2016); In silico analysis, which includes protein predictors and evolutionary conservation, supports a deleterious effect; Has not been previously published as pathogenic or benign to our knowledge

NM_005876.5(SPEG):c.1567C>T (p.Arg523Cys)

Gene: SPEG (striated muscle enriched protein kinase; plus strand). Cytogenetic location: 2q35.
Variant type: single nucleotide variant.
Coding change: c.1567C>T on transcript NM_005876.5 (MANE Select); coding-DNA position 1567, C replaced by T.
Protein change: p.Arg523Cys; replaces arginine 523 with cysteine.
Molecular consequence: missense variant.
Genome position (GRCh38, 1-based): chr2:219,448,725, C>T. VCF-style: chr2-219448725-C-T. GRCh37 (hg19) VCF-style: chr2-220313447-C-T.
Other names: short protein forms R523C.
Identifiers: ClinVar variation 1308551 (VCV001308551.6), dbSNP rs1689509296, ClinGen allele CA350721769.
Genomic context (GRCh38, chr2:219,448,725, plus strand): 5'-CGCTCCACGTCGCGGGAGGAGCTGGTGCGCTCGCACGAGTCCCTGCGCGCCACGCTGCAG[C>T]GTGCCCCATCCCCTCGAGAGCCCGGCGAGCCCCCGCTCTTCTCTCGGCCCTCCACCCCCA-3'
Protein context (NP_005867.3, residues 513-533): SHESLRATLQ[Arg523Cys]APSPREPGEP